The following is an entry in ClinVar:

ClinVar aggregate classification (germline): Uncertain significance (1 of 4 stars; one submission).

Conditions:
Dilated cardiomyopathy 1AA (CMD1AA). Also called: CARDIOMYOPATHY, DILATED, 1AA, WITH OR WITHOUT LEFT VENTRICULAR NONCOMPACTION; CARDIOMYOPATHY, FAMILIAL HYPERTROPHIC, 23, WITH OR WITHOUT LEFT VENTRICULAR NONCOMPACTION; Cardiomyopathy, dilated, 1AA, with or without LVNC. Identifiers: Orphanet 154, MedGen C2677338, MONDO:0012808, OMIM 612158.
Primary familial hypertrophic cardiomyopathy (HCM). Identifiers: Orphanet 99739, MedGen C0949658, MeSH D024741, MONDO:0024573. Inheritance: Various modes of inheritance.

Submission:

Labcorp Genetics (formerly Invitae), Labcorp
Classification: Uncertain significance for Primary familial hypertrophic cardiomyopathy; Dilated cardiomyopathy 1AA. Last evaluated: 2021-07-31. Review status: criteria provided, single submitter. Criteria: Invitae Variant Classification Sherloc (09022015). Collection method: clinical testing. Allele origin: germline.
Comment: In summary, the available evidence is currently insufficient to determine the role of this variant in disease. Therefore, it has been classified as a Variant of Uncertain Significance. This variant has not been reported in the literature in individuals affected with ACTN2-related conditions. This variant is not present in population databases (ExAC no frequency). This sequence change creates a premature translational stop signal (p.Arg83Lysfs*17) in the ACTN2 gene. It is expected to result in an absent or disrupted protein product. However, the current clinical and genetic evidence is not sufficient to establish whether loss-of-function variants in ACTN2 cause disease.

NC_000001.11:g.236718900_236718924del

Gene: ACTN2 (actinin alpha 2; plus strand). Cytogenetic location: 1q43.
Variant type: Deletion.
Genome position: GRCh38 VCF-style: chr1-236718892-AGGGGAAAGGCTGCCCAAACCTGACC-A. GRCh37 (hg19) VCF-style: chr1-236882192-AGGGGAAAGGCTGCCCAAACCTGACC-A.
Identifiers: ClinVar variation 1474127 (VCV001474127.7), dbSNP rs2102894768, ClinGen allele CA2573132805.